The following is an entry in ClinVar:

NM_000388.4(CASR):c.1906A>C (p.Lys636Gln)

Gene: CASR (calcium sensing receptor; plus strand). Cytogenetic location: 3q21.1.
Variant type: single nucleotide variant.
Coding change: c.1906A>C on transcript NM_000388.4 (MANE Select); coding-DNA position 1906, A replaced by C.
Protein change: p.Lys636Gln; replaces lysine 636 with glutamine.
Molecular consequence: missense variant.
Genome position (GRCh38, 1-based): chr3:122,283,860, A>C. VCF-style: chr3-122283860-A-C. GRCh37 (hg19) VCF-style: chr3-122002707-A-C.
Other names: c.1936A>C, p.Lys646Gln (NM_001178065.2); short protein forms K636Q, K646Q.
Identifiers: ClinVar variation 1441984 (VCV001441984.11), dbSNP rs779019180, ClinGen allele CA354157919.

ClinVar aggregate classification (germline): Uncertain significance. Review status: criteria provided, multiple submitters, no conflicts (2 of 4 stars). 3 submissions from 3 submitters: Uncertain significance (3). Last evaluated 2026-03-24.

Conditions:
Autosomal dominant hypocalcemia 1 (HYPOC1). Also called: HYPOCALCEMIA, FAMILIAL. Identifiers: MedGen C3715128, MONDO:0011013, OMIM 601198.
Familial hypocalciuric hypercalcemia (FHH). Also called: Familial benign hypercalcemia. Identifiers: Orphanet 405, MedGen C1809471, MONDO:0018458.
Nephrolithiasis/nephrocalcinosis. Identifiers: MedGen CN580796.

Allele frequency attached by ClinVar (database versions not stated): gnomAD 0.00001.
gnomAD v4.1: 3 of 1,613,734 alleles (0.00019%); highest among the groups gnomAD compares: African/African-American, 0.004%; no homozygotes.

Submissions (3):

Women's Health and Genetics/Laboratory Corporation of America, LabCorp
Classification: Uncertain significance. Last evaluated: 2026-03-24. Review status: criteria provided, single submitter. Criteria: LabCorp Variant Classification Summary - May 2015. Collection method: clinical testing. Allele origin: germline.
Comment: Variant summary: CASR c.1906A>C (p.Lys636Gln) results in a conservative amino acid change in the encoded protein sequence. Algorithms developed to predict the effect of missense changes on protein structure and function are either unavailable or do not agree on the potential impact of this missense change. The variant was absent in 251396 control chromosomes. The available data on variant occurrences in the general population are insufficient to allow any conclusion about variant significance. To our knowledge, no occurrence of c.1906A>C in individuals affected with CASR-related conditions and no experimental evidence demonstrating its impact on protein function have been reported. ClinVar contains an entry for this variant (Variation ID: 1441984). Based on the evidence outlined above, the variant was classified as uncertain significance.

Ambry Genetics
Classification: Uncertain significance for Nephrolithiasis/nephrocalcinosis. Last evaluated: 2022-04-21. Review status: criteria provided, single submitter. Criteria: Ambry Variant Classification Scheme 2023. Collection method: clinical testing. Allele origin: germline.
Comment: The p.K636Q variant (also known as c.1906A>C), located in coding exon 6 of the CASR gene, results from an A to C substitution at nucleotide position 1906. The lysine at codon 636 is replaced by glutamine, an amino acid with similar properties. This amino acid position is conserved. In addition, the in silico prediction for this alteration is inconclusive. Since supporting evidence is limited at this time, the clinical significance of this alteration remains unclear.

Labcorp Genetics (formerly Invitae), Labcorp
Classification: Uncertain significance for Familial hypocalciuric hypercalcemia; Autosomal dominant hypocalcemia 1. Last evaluated: 2021-05-12. Review status: criteria provided, single submitter. Criteria: Invitae Variant Classification Sherloc (09022015). Collection method: clinical testing. Allele origin: germline.
Comment: This variant is not present in population databases (ExAC no frequency). This sequence change replaces lysine with glutamine at codon 636 of the CASR protein (p.Lys636Gln). The lysine residue is highly conserved and there is a small physicochemical difference between lysine and glutamine. This variant has not been reported in the literature in individuals with CASR-related conditions. In summary, the available evidence is currently insufficient to determine the role of this variant in disease. Therefore, it has been classified as a Variant of Uncertain Significance. Algorithms developed to predict the effect of sequence changes on RNA splicing suggest that this variant may create or strengthen a splice site, but this prediction has not been confirmed by published transcriptional studies. Algorithms developed to predict the effect of missense changes on protein structure and function are either unavailable or do not agree on the potential impact of this missense change (SIFT: "Deleterious"; PolyPhen-2: "Benign"; Align-GVGD: "Class C45").